The following is an entry in ClinVar:

ClinVar aggregate classification (germline): Pathogenic (1 of 4 stars; one submission).

Submission:

Labcorp Genetics (formerly Invitae), Labcorp
Classification: Pathogenic. Last evaluated: 2024-09-16. Review status: criteria provided, single submitter. Criteria: Invitae Variant Classification Sherloc (09022015). Collection method: clinical testing. Allele origin: germline.
Comment: This sequence change creates a premature translational stop signal (p.Leu4196Glyfs*19) in the LRP2 gene. It is expected to result in an absent or disrupted protein product. Loss-of-function variants in LRP2 are known to be pathogenic (PMID: 17632512, 25682901). This variant is not present in population databases (gnomAD no frequency). This variant has not been reported in the literature in individuals affected with LRP2-related conditions. ClinVar contains an entry for this variant (Variation ID: 2003271). For these reasons, this variant has been classified as Pathogenic.

Literature cited by the submitters: PubMed 17632512; PubMed 25682901.

NM_004525.3(LRP2):c.12585_12588del (p.Leu4196fs)

Gene: LRP2 (LDL receptor related protein 2; minus strand). Cytogenetic location: 2q31.1.
Variant type: Deletion.
Coding change: c.12585_12588del on transcript NM_004525.3 (MANE Select); coding-DNA positions 12585 to 12588, 4 bases deleted (ACTA; older notation c.12585_12588delACTA).
Protein change: p.Leu4196fs; shifts the reading frame from leucine 4196.
Molecular consequence: frameshift variant.
Genome position (GRCh38, 1-based): chr2:169,150,900-169,150,903, TAGT deleted on the plus strand (ACTA on the coding strand, the reverse complement: LRP2 is on the minus strand); deleting any 4 consecutive bases within chr2:169,150,900-169,150,904 gives the same sequence; the c. name uses the placement nearest the transcript's 3' end. VCF-style (leftmost placement, unchanged base first): chr2-169150899-CTAGT-C. GRCh37 (hg19) VCF-style: chr2-170007409-CTAGT-C.
Other names: short protein forms L4196fs.
Identifiers: ClinVar variation 2003271 (VCV002003271.4), dbSNP rs2545671972, ClinGen allele CA2580064417.